The following is an entry in ClinVar:

NM_001166114.2(PNPLA6):c.1621C>T (p.His541Tyr)

Gene: PNPLA6 (patatin like domain 6, lysophospholipase; plus strand). Cytogenetic location: 19p13.2.
Variant type: single nucleotide variant.
Coding change: c.1621C>T on transcript NM_001166114.2 (MANE Select); coding-DNA position 1621, C replaced by T.
Protein change: p.His541Tyr; replaces histidine 541 with tyrosine.
Molecular consequence: missense variant.
Genome position (GRCh38, 1-based): chr19:7,549,919, C>T. VCF-style: chr19-7549919-C-T. GRCh37 (hg19) VCF-style: chr19-7614805-C-T.
Other names: c.1648C>T, p.His550Tyr (NM_001166111.2); c.1426C>T, p.His476Tyr (NM_001166112.2); c.1504C>T, p.His502Tyr (NM_001166113.1, NM_006702.5); short protein forms H476Y, H502Y, H541Y, H550Y.
Identifiers: ClinVar variation 1344469 (VCV001344469.6), dbSNP rs1050752297, ClinGen allele CA304872884.

ClinVar aggregate classification (germline): Uncertain significance. Review status: criteria provided, multiple submitters, no conflicts (2 of 4 stars). 3 submissions from 3 submitters: Uncertain significance (3). Last evaluated 2022-10-25.

Conditions:
Inborn genetic diseases. Identifiers: MedGen C0950123, MeSH D030342.
Hereditary spastic paraplegia 39 (SPG39). Also called: SPASTIC PARAPLEGIA 39, AUTOSOMAL RECESSIVE; Spastic Paraplegia Type 39 (SPG39). Identifiers: Orphanet 139480, MedGen C2677586, MONDO:0012787, OMIM 612020.
Hereditary spastic paraplegia. Also called: Familial spastic paraparesis. Identifiers: Orphanet 685, MedGen C0037773, MONDO:0019064. Disease mechanism: loss of function.

Allele frequency attached by ClinVar (database versions not stated): gnomAD exomes below 0.00001 and 0.00001; TOPMed below 0.00001; gnomAD 0.00001.

Submissions (3):

Ambry Genetics
Classification: Uncertain significance for Inborn genetic diseases. Last evaluated: 2022-10-25. Review status: criteria provided, single submitter. Criteria: Ambry Variant Classification Scheme 2023. Collection method: clinical testing. Allele origin: germline.

Labcorp Genetics (formerly Invitae), Labcorp
Classification: Uncertain significance for Hereditary spastic paraplegia 39. Last evaluated: 2022-03-04. Review status: criteria provided, single submitter. Criteria: Invitae Variant Classification Sherloc (09022015). Collection method: clinical testing. Allele origin: germline.
Comment: This sequence change replaces histidine, which is basic and polar, with tyrosine, which is neutral and polar, at codon 502 of the PNPLA6 protein (p.His502Tyr). This variant is present in population databases (no rsID available, gnomAD 0.002%). This variant has not been reported in the literature in individuals affected with PNPLA6-related conditions. Algorithms developed to predict the effect of missense changes on protein structure and function (SIFT, PolyPhen-2, Align-GVGD) all suggest that this variant is likely to be tolerated. In summary, the available evidence is currently insufficient to determine the role of this variant in disease. Therefore, it has been classified as a Variant of Uncertain Significance.

Genome Diagnostics Laboratory, The Hospital for Sick Children
Classification: Uncertain significance for Hereditary spastic paraplegia. Last evaluated: 2016-12-12. Review status: criteria provided, single submitter. Criteria: ACMG Guidelines, 2015. Collection method: clinical testing. Allele origin: germline. Affected: yes.